The following is an entry in ClinVar:

NM_022081.6(HPS4):c.28A>G (p.Lys10Glu)

Gene: HPS4 (HPS4 biogenesis of lysosomal organelles complex 3 subunit 2; minus strand). Cytogenetic location: 22q12.1.
Variant type: single nucleotide variant.
Coding change: c.28A>G on transcript NM_022081.6 (MANE Select); coding-DNA position 28, A replaced by G.
Protein change: p.Lys10Glu; replaces lysine 10 with glutamic acid.
Molecular consequence: missense variant. On other transcripts: non-coding transcript variant (7).
Genome position (GRCh38, 1-based): chr22:26,481,735, T>C on the plus strand (A>G on the coding strand, the complement: HPS4 is on the minus strand). VCF-style: chr22-26481735-T-C. GRCh37 (hg19) VCF-style: chr22-26877701-T-C.
Other names: c.28A>G, p.Lys10Glu (NM_001349896.1, NM_001349898.2, NM_001349899.2 and 7 more transcripts); short protein forms K10E.
Identifiers: ClinVar variation 1903487 (VCV001903487.3), dbSNP rs141268657, ClinGen allele CA322861079.

ClinVar aggregate classification (germline): Uncertain significance (1 of 4 stars; one submission).

Allele frequency attached by ClinVar (database versions not stated): TOPMed 0.00001; ESP Exome Variant Server 0.00008.
gnomAD v4.1: 24 of 1,614,190 alleles (0.0015%); highest among the groups gnomAD compares: Non-Finnish European, 0.002%; no homozygotes.

Submission:

Labcorp Genetics (formerly Invitae), Labcorp
Classification: Uncertain significance. Last evaluated: 2024-01-19. Review status: criteria provided, single submitter. Criteria: Invitae Variant Classification Sherloc (09022015). Collection method: clinical testing. Allele origin: germline.
Comment: This sequence change replaces lysine, which is basic and polar, with glutamic acid, which is acidic and polar, at codon 10 of the HPS4 protein (p.Lys10Glu). This variant is present in population databases (rs141268657, gnomAD 0.002%). This variant has not been reported in the literature in individuals affected with HPS4-related conditions. ClinVar contains an entry for this variant (Variation ID: 1903487). Experimental studies and prediction algorithms are not available or were not evaluated, and the functional significance of this variant is currently unknown. In summary, the available evidence is currently insufficient to determine the role of this variant in disease. Therefore, it has been classified as a Variant of Uncertain Significance.